The following is an entry in ClinVar:

NM_001110556.2(FLNA):c.958G>C (p.Val320Leu)

Gene: FLNA (filamin A; minus strand). Cytogenetic location: Xq28.
Variant type: single nucleotide variant.
Coding change: c.958G>C on transcript NM_001110556.2 (MANE Select); coding-DNA position 958, G replaced by C.
Protein change: p.Val320Leu; replaces valine 320 with leucine.
Molecular consequence: missense variant.
Genome position (GRCh38, 1-based): chrX:154,366,761, C>G on the plus strand (G>C on the coding strand, the complement: FLNA is on the minus strand). VCF-style: chrX-154366761-C-G. GRCh37 (hg19) VCF-style: chrX-153595129-C-G.
Other names: c.958G>C, p.Val320Leu (NM_001456.4); short protein forms V320L.
Identifiers: ClinVar variation 2578082 (VCV002578082.4), dbSNP rs781889196, ClinGen allele CA415247604.
Genomic context (GRCh38, chrX:154,366,761, plus strand): 5'-CGGGGCCTCTGCTGCCAGCAGCTGGCCCTACCTCCTCCTGGTGTCCGGCCGGGTCCTCCA[C>G]GTACACCAGCACCTCTCCCTGGCCAGCACTTCTGGTCTCCACAGTGAACTCTGCCCGCTT-3'
Protein context (NP_001104026.1, residues 310-330): SAGQGEVLVY[Val320Leu]EDPAGHQEEA

ClinVar aggregate classification (germline): Uncertain significance. Review status: criteria provided, multiple submitters, no conflicts (2 of 4 stars). 2 submissions from 2 submitters: Uncertain significance (2). Last evaluated 2026-09-08.

Conditions:
Melnick-Needles syndrome (MNS). Also called: Melnick-Needles Syndrome (FLNA-MNS); MELNICK-NEEDLES OSTEODYSPLASTY; OSTEODYSPLASTY OF MELNICK AND NEEDLES. Identifiers: Orphanet 2484, MedGen C0025237, MONDO:0010650, OMIM 309350.
Heterotopia, periventricular, X-linked dominant (PVNH1). Also called: PERIVENTRICULAR NODULAR HETEROTOPIA 1; X-linked periventricular heterotopia; PERIVENTRICULAR NODULAR HETEROTOPIA 4; HETEROTOPIA, PERIVENTRICULAR, 1. Identifiers: Orphanet 2149, Orphanet 82004, MedGen C1848213, MONDO:0010233, OMIM 300049.
Frontometaphyseal dysplasia (FMD1). Identifiers: Orphanet 1826, MedGen C0265293, MONDO:0015942.
Oto-palato-digital syndrome, type II (OPD2). Also called: FACIOPALATOOSSEOUS SYNDROME; Otopalatodigital Syndrome, Type II; Otopalatodigital Syndrome Type 2 (FLNA-OPD2); OPD II SYNDROME. Identifiers: Orphanet 669, Orphanet 90652, MedGen C1844696, MONDO:0010571, OMIM 304120.

gnomAD v4.1: 2 of 1,209,869 alleles (0.00017%); highest among the groups gnomAD compares: Non-Finnish European, 0.00022%; no homozygotes.

Submissions (2):

GeneDx
Classification: Uncertain significance. Last evaluated: 2026-09-08. Review status: criteria provided, single submitter. Criteria: GeneDx Variant Classification Process June 2021. Collection method: clinical testing. Allele origin: germline.
Comment: Identified in a patient with partial epilepsy in published literature (PMID: 30986657); Not observed at significant frequency in large population cohorts (gnomAD); In silico analysis suggests that this missense variant does not alter protein structure/function; This variant is associated with the following publications: (PMID: 30986657)

Labcorp Genetics (formerly Invitae), Labcorp
Classification: Uncertain significance for Oto-palato-digital syndrome, type II; Heterotopia, periventricular, X-linked dominant; Frontometaphyseal dysplasia; Melnick-Needles syndrome. Last evaluated: 2025-05-22. Review status: criteria provided, single submitter. Criteria: Invitae Variant Classification Sherloc (09022015). Collection method: clinical testing. Allele origin: germline.
Comment: This sequence change replaces valine, which is neutral and non-polar, with leucine, which is neutral and non-polar, at codon 320 of the FLNA protein (p.Val320Leu). This variant is not present in population databases (gnomAD no frequency). This missense change has been observed in individual(s) with epilepsy (PMID: 30986657). ClinVar contains an entry for this variant (Variation ID: 2578082). Invitae Evidence Modeling of protein sequence and biophysical properties (such as structural, functional, and spatial information, amino acid conservation, physicochemical variation, residue mobility, and thermodynamic stability) indicates that this missense variant is not expected to disrupt FLNA protein function with a negative predictive value of 95%. In summary, the available evidence is currently insufficient to determine the role of this variant in disease. Therefore, it has been classified as a Variant of Uncertain Significance.

Literature cited by the submitters: PubMed 30986657 (cited by Labcorp Genetics (formerly Invitae), Labcorp).